The following is an entry in ClinVar:

ClinVar aggregate classification (germline): Pathogenic (1 of 4 stars; one submission).

Conditions:
Hematuria, benign familial, 1 (BFH1). Also called: THIN MEMBRANE NEPHROPATHY. Identifiers: MedGen CN376803, MONDO:0007709, OMIM 141200.

Submission:

Centre de Génétique Humaine, Institut de Pathologie Et de Génétique
Classification: Pathogenic for Hematuria, benign familial, 1. Last evaluated: 2026-04-15. Review status: criteria provided, single submitter. Criteria: ACMG Guidelines, 2015. Collection method: clinical testing. Allele origin: germline. Inheritance: Autosomal dominant inheritance. Affected: yes. Observed: 1 variant allele, 1 heterozygote. Segregation with disease not observed.
Comment: This 1pb insertion is a frameshift variant predicted to result in protein truncation or nonsense mediated decay in a gene for which loss-of-function is a known mechanism of disease (PVS1). This variant is rare: absent in gnomAD v4.1.0 database (PM2).

NM_000092.5(COL4A4):c.1100-1_1100insA

Gene: COL4A4 (collagen type IV alpha 4 chain; minus strand). Cytogenetic location: 2q36.3.
Variant type: Insertion.
Coding change: c.1100-1_1100insA on transcript NM_000092.5 (MANE Select); the canonical splice acceptor site of the intron before coding-DNA position 1100 through coding-DNA position 1100, A inserted.
Molecular consequence: splice acceptor variant.
Genome position: GRCh38 VCF-style: chr2-227098798-C-CT. GRCh37 (hg19) VCF-style: chr2-227963514-C-CT.
Other names: p.(Gly367Glufs*63).
Identifiers: ClinVar variation 4884709 (VCV004884709.1).